The following is an entry in ClinVar:

NM_001145026.2(PTPRQ):c.2387A>G (p.Tyr796Cys)

Gene: PTPRQ (protein tyrosine phosphatase receptor type Q; plus strand). Cytogenetic location: 12q21.31.
Variant type: single nucleotide variant.
Coding change: c.2387A>G on transcript NM_001145026.2 (MANE Select); coding-DNA position 2387, A replaced by G.
Protein change: p.Tyr796Cys; replaces tyrosine 796 with cysteine.
Molecular consequence: missense variant.
Genome position (GRCh38, 1-based): chr12:80,506,138, A>G. VCF-style: chr12-80506138-A-G. GRCh37 (hg19) VCF-style: chr12-80899917-A-G.
Other names: short protein forms Y796C.
Identifiers: ClinVar variation 3600814 (VCV003600814.1).

ClinVar aggregate classification (germline): Uncertain significance (1 of 4 stars; one submission).

gnomAD v4.1: 1 of 1,538,364 alleles (0.000065%); highest among the groups gnomAD compares: Non-Finnish European, 0.000088%; no homozygotes.

Submission:

GeneDx
Classification: Uncertain significance. Last evaluated: 2024-07-22. Review status: criteria provided, single submitter. Criteria: GeneDx Variant Classification Process June 2021. Collection method: clinical testing. Allele origin: germline. Affected: yes.
Comment: Not observed at significant frequency in large population cohorts (gnomAD); In silico analysis supports that this missense variant has a deleterious effect on protein structure/function; Has not been previously published as pathogenic or benign to our knowledge